The following is an entry in ClinVar:

Conditions:
Arteriohepatic dysplasia. Also called: Alagille Syndrome. Identifiers: Orphanet 52, MedGen C0085280, MeSH D016738, MONDO:0007318.

Submission:

Gilbert/Spinner Lab, Children's Hospital of Philadelphia
No classification provided (evidence only). Condition: Alagille syndrome. Review status: no classification provided. Collection method: research. Allele origin: not applicable. Functional consequence: functionally_abnormal.
ClinVar note: "not provided" was previously submitted as the classification for the variant. However, the classification appeared to be based only on an observation of functional data so it was converted to no classification on 2025-07-30.

NM_000214.3(JAG1):c.793T>C (p.Cys265Arg)

Gene: JAG1 (jagged canonical Notch ligand 1; minus strand). Cytogenetic location: 20p12.2.
Variant type: single nucleotide variant.
Coding change: c.793T>C on transcript NM_000214.3 (MANE Select); coding-DNA position 793, T replaced by C.
Protein change: p.Cys265Arg; replaces cysteine 265 with arginine.
Molecular consequence: missense variant.
Genome position (GRCh38, 1-based): chr20:10,652,561, A>G on the plus strand (T>C on the coding strand, the complement: JAG1 is on the minus strand). VCF-style: chr20-10652561-A-G. GRCh37 (hg19) VCF-style: chr20-10633209-A-G.
Other names: short protein forms C265R.
Identifiers: ClinVar variation 3573374 (VCV003573374.2).